The following is an entry in ClinVar:

NM_001144967.3(NEDD4L):c.1708+10C>T

Gene: NEDD4L (NEDD4 like E3 ubiquitin protein ligase; plus strand). Cytogenetic location: 18q21.31.
Variant type: single nucleotide variant.
Coding change: c.1708+10C>T on transcript NM_001144967.3 (MANE Select); 10 bases into the intron after coding-DNA position 1708, C replaced by T.
Molecular consequence: intron variant.
Genome position (GRCh38, 1-based): chr18:58,351,055, C>T. VCF-style: chr18-58351055-C-T. GRCh37 (hg19) VCF-style: chr18-56018287-C-T.
Other names: c.1648+10C>T (NM_015277.6); c.1516+10C>T (NM_001243960.2); c.1345+10C>T (NM_001144964.1, NM_001144965.2, NM_001144966.3); c.1285+10C>T (NM_001144971.2, NM_001144970.3); c.1684+10C>T (NM_001144968.2); c.1624+10C>T (NM_001144969.2).
Identifiers: ClinVar variation 800235 (VCV000800235.12), dbSNP rs200176042, ClinGen allele CA8975771.

ClinVar aggregate classification (germline): Likely benign. Review status: criteria provided, multiple submitters, no conflicts (2 of 4 stars). 3 submissions from 3 submitters: Likely benign (3). Last evaluated 2025-12-09.

Conditions:
NEDD4L-related disorder. Also called: NEDD4L-related condition.

Allele frequency attached by ClinVar (database versions not stated): gnomAD exomes 0.00005; ESP Exome Variant Server 0.00008; gnomAD 0.00013.
gnomAD v4.1: 80 of 1,581,128 alleles (0.0051%); highest among the groups gnomAD compares: African/African-American, 0.074%; no homozygotes.

Submissions (3):

Labcorp Genetics (formerly Invitae), Labcorp
Classification: Likely benign. Last evaluated: 2025-12-09. Review status: criteria provided, single submitter. Criteria: Invitae Variant Classification Sherloc (09022015). Collection method: clinical testing. Allele origin: germline.

Women's Health and Genetics/Laboratory Corporation of America, LabCorp
Classification: Likely benign. Last evaluated: 2025-12-02. Review status: criteria provided, single submitter. Criteria: LabCorp Variant Classification Summary - May 2015. Collection method: clinical testing. Allele origin: germline.
Comment: Variant summary: NEDD4L c.1708+10C>T alters a non-conserved nucleotide located at a position not widely known to affect splicing. Consensus agreement among computation tools predict no significant impact on normal splicing. However, these predictions have yet to be confirmed by functional studies. The variant allele was found at a frequency of 5.6e-05 in 230564 control chromosomes, predominantly at a frequency of 0.00054 within the African or African-American subpopulation in the gnomAD database. This frequency is not significantly higher than estimated for disease-causing variants in NEDD4L, allowing no conclusion about variant significance. To our knowledge, no occurrence of c.1708+10C>T in individuals affected with NEDD4L-related conditions and no experimental evidence demonstrating its impact on protein function have been reported. ClinVar contains an entry for this variant (Variation ID: 800235). Based on the evidence outlined above, the variant was classified as likely benign.

PreventionGenetics, part of Exact Sciences
Classification: Likely benign for NEDD4L-related condition. Last evaluated: 2024-12-18. Review status: criteria provided, single submitter. Criteria: ACMG Guidelines, 2015. Collection method: clinical testing. Allele origin: germline.
Comment: This variant is classified as likely benign based on ACMG/AMP sequence variant interpretation guidelines (Richards et al. 2015 PMID: 25741868, with internal and published modifications).